The following is an entry in ClinVar:

ClinVar aggregate classification (germline): Uncertain significance. Review status: criteria provided, multiple submitters, no conflicts (2 of 4 stars). 3 submissions from 3 submitters: Uncertain significance (3). Last evaluated 2025-07-30.

Conditions:
Ataxia-telangiectasia syndrome (AT). Also called: Cerebello-oculocutaneous telangiectasia; Immunodeficiency with ataxia telangiectasia; ATAXIA-TELANGIECTASIA, COMPLEMENTATION GROUP A; ATAXIA-TELANGIECTASIA, FRESNO VARIANT; LOUIS-BAR SYNDROME; Ataxia-telangiectasia, complementation group E. Identifiers: Orphanet 100, MedGen C0004135, MONDO:0008840, OMIM 208900.
Hereditary cancer-predisposing syndrome. Also called: Tumor predisposition; Hereditary Cancer Syndrome; Neoplastic Syndromes, Hereditary; Hereditary neoplastic syndrome. Identifiers: Orphanet 140162, MedGen C0027672, MeSH D009386, MONDO:0015356.

Submissions (3):

Labcorp Genetics (formerly Invitae), Labcorp
Classification: Uncertain significance for Ataxia-telangiectasia syndrome. Last evaluated: 2025-07-30. Review status: criteria provided, single submitter. Criteria: Invitae Variant Classification Sherloc (09022015). Collection method: clinical testing. Allele origin: germline.
Comment: This sequence change replaces serine, which is neutral and polar, with cysteine, which is neutral and slightly polar, at codon 917 of the ATM protein (p.Ser917Cys). This variant is not present in population databases (gnomAD no frequency). This variant has not been reported in the literature in individuals affected with ATM-related conditions. ClinVar contains an entry for this variant (Variation ID: 1009833). Invitae Evidence Modeling of protein sequence and biophysical properties (such as structural, functional, and spatial information, amino acid conservation, physicochemical variation, residue mobility, and thermodynamic stability) indicates that this missense variant is not expected to disrupt ATM protein function with a negative predictive value of 95%. In summary, the available evidence is currently insufficient to determine the role of this variant in disease. Therefore, it has been classified as a Variant of Uncertain Significance.

Ambry Genetics
Classification: Uncertain significance for Hereditary cancer-predisposing syndrome. Last evaluated: 2024-09-18. Review status: criteria provided, single submitter. Criteria: Ambry Variant Classification Scheme 2023. Collection method: clinical testing. Allele origin: germline.
Comment: The p.S917C variant (also known as c.2750C>G), located in coding exon 17 of the ATM gene, results from a C to G substitution at nucleotide position 2750. The serine at codon 917 is replaced by cysteine, an amino acid with dissimilar properties. This amino acid position is well conserved in available vertebrate species. In addition, this alteration is predicted to be tolerated by in silico analysis. Based on the available evidence, the clinical significance of this variant remains unclear.

Breakthrough Genomics
Classification: Uncertain significance. Review status: criteria provided, single submitter. Criteria: ACMG Guidelines, 2015. Collection method: not provided. Allele origin: germline. Inheritance: Autosomal recessive inheritance. Affected: yes.

NM_000051.4(ATM):c.2750C>G (p.Ser917Cys)

Gene: ATM (ATM serine/threonine kinase; plus strand). Cytogenetic location: 11q22.3.
Variant type: single nucleotide variant.
Coding change: c.2750C>G on transcript NM_000051.4 (MANE Select); coding-DNA position 2750, C replaced by G.
Protein change: p.Ser917Cys; replaces serine 917 with cysteine.
Molecular consequence: missense variant.
Genome position (GRCh38, 1-based): chr11:108,268,521, C>G. VCF-style: chr11-108268521-C-G. GRCh37 (hg19) VCF-style: chr11-108139248-C-G.
Other names: c.2750C>G, p.Ser917Cys (NM_001351834.2); short protein forms S917C.
Identifiers: ClinVar variation 1009833 (VCV001009833.11), dbSNP rs2081388548, ClinGen allele CA382545429.
Genomic context (GRCh38, chr11:108,268,521, plus strand): 5'-TCTTAGACATGCTCAAGTTCTTGTGTTTGTGTGTAACTACTGCTCAGACCAATACTGTGT[C>G]CTTTAGGGCAGCTGATATTCGGAGGAAATTGTTAATGTTAATTGATTCTAGCACGCTAGA-3'
Protein context (NP_000042.3, residues 907-927): CVTTAQTNTV[Ser917Cys]FRAADIRRKL